The following is an entry in ClinVar:

NM_181877.4(ZSCAN2):c.587A>C (p.His196Pro)

Gene: ZSCAN2 (zinc finger and SCAN domain containing 2; plus strand). Cytogenetic location: 15q25.2.
Variant type: single nucleotide variant.
Coding change: c.587A>C on transcript NM_181877.4 (MANE Select); coding-DNA position 587, A replaced by C.
Protein change: p.His196Pro; replaces histidine 196 with proline.
Molecular consequence: missense variant.
Genome position (GRCh38, 1-based): chr15:84,620,782, A>C. VCF-style: chr15-84620782-A-C. GRCh37 (hg19) VCF-style: chr15-85164013-A-C.
Other names: short protein forms H196P.
Identifiers: ClinVar variation 2645647 (VCV002645647.22), dbSNP rs142275625, ClinGen allele CA7706811.

ClinVar aggregate classification (germline): Likely benign (1 of 4 stars; one submission).

Allele frequency attached by ClinVar (database versions not stated): 1000 Genomes Project 30x 0.00219; 1000 Genomes Project 0.00220; TOPMed 0.00343; ESP Exome Variant Server 0.00377; ExAC 0.00591.
gnomAD v4.1: 10,499 of 1,614,216 alleles (0.65%); highest among the groups gnomAD compares: Non-Finnish European, 0.65%; 66 homozygotes.

Submission:

CeGaT Center for Human Genetics Tuebingen
Classification: Likely benign. Last evaluated: 2023-04-01. Review status: criteria provided, single submitter. Criteria: CeGaT Center For Human Genetics Tuebingen Variant Classification Criteria Version 2. Collection method: clinical testing. Allele origin: germline. Affected: yes. Observed: 1 variant allele.
Comment: ZSCAN2: BP4, BS2